The following is an entry in ClinVar:

ClinVar aggregate classification (germline): Likely pathogenic (1 of 4 stars; one submission).

Conditions:
Wilson disease (WND). Also called: Wilson's disease. Identifiers: Orphanet 905, MedGen C0019202, MONDO:0010200, OMIM 277900. Disease mechanism: loss of function.

Submission:

Natera, Inc.
Classification: Likely pathogenic for Wilson disease. Last evaluated: 2025-03-10. Review status: criteria provided, single submitter. Criteria: Natera Variant Classification Schema (03/2026). Collection method: clinical testing. Allele origin: germline.
Comment: The c.2730+1G>C variant in ATP7B is a canonical splice donor site variant predicted to affect pre-mRNA splicing, which may result in an abnormal transcript and altered protein product. This variant is expected to result in nonsense mediated decay, truncation, or a dysfunctional protein product. This variant is rare in the general population with a frequency below the threshold expected for the associated phenotype(s). Given the available evidence, this variant is classified as Likely Pathogenic.

NM_000053.4(ATP7B):c.2730+1G>C

Gene: ATP7B (ATPase copper transporting beta; minus strand). Cytogenetic location: 13q14.3.
Variant type: single nucleotide variant.
Coding change: c.2730+1G>C on transcript NM_000053.4 (MANE Select); the canonical splice donor site of the intron after coding-DNA position 2730, G replaced by C.
Molecular consequence: splice donor variant.
Genome position (GRCh38, 1-based): chr13:51,950,006, C>G on the plus strand (G>C on the coding strand, the complement: ATP7B is on the minus strand). VCF-style: chr13-51950006-C-G. GRCh37 (hg19) VCF-style: chr13-52524142-C-G.
Other names: c.2730+1G>C (NM_001406512.1, NM_001406535.1, NM_001406519.1 and 7 more transcripts); c.2478+1G>C (NM_001406532.1, NM_001406540.1, NM_001330579.2 and 1 more transcripts); c.2397+1G>C (NM_001243182.2); c.1440+1G>C (NM_001406548.1); c.2553+1G>C (NM_001406524.1); c.2697+1G>C (NM_001406514.1); c.2082+1G>C (NM_001406547.1, NM_001406545.1); c.2244+1G>C (NM_001005918.3, NM_001406546.1, NM_001406542.1 and 1 more transcripts); and 8 more.
Identifiers: ClinVar variation 4063552 (VCV004063552.2).
Genomic context (GRCh38, chr13:51,950,006, plus strand): 5'-ACTCTTCACATAATTTCTAAAACGAGAAAGATGAAGTTAGTTTTAAAAATTTCTTCATTA[C>G]CTTTGACATCTGAGCCTCTTCCACCAGTTTCACAATCTGAGCCAAAGTGGTGTCATTGCC-3'